The following is an entry in ClinVar:

NM_000384.3(APOB):c.12893A>T (p.Asn4298Ile)

Gene: APOB (apolipoprotein B; minus strand). Cytogenetic location: 2p24.1.
Variant type: single nucleotide variant.
Coding change: c.12893A>T on transcript NM_000384.3 (MANE Select); coding-DNA position 12893, A replaced by T.
Protein change: p.Asn4298Ile; replaces asparagine 4298 with isoleucine.
Molecular consequence: missense variant.
Genome position (GRCh38, 1-based): chr2:21,002,529, T>A on the plus strand (A>T on the coding strand, the complement: APOB is on the minus strand). VCF-style: chr2-21002529-T-A. GRCh37 (hg19) VCF-style: chr2-21225401-T-A.
Other names: short protein forms N4298I.
Identifiers: ClinVar variation 4613682 (VCV004613682.1).

ClinVar aggregate classification (germline): Uncertain significance (1 of 4 stars; one submission).

Conditions:
Cardiovascular phenotype. Identifiers: MedGen CN230736.

Submission:

Ambry Genetics
Classification: Uncertain significance for Cardiovascular phenotype. Last evaluated: 2025-11-15. Review status: criteria provided, single submitter. Criteria: Ambry Variant Classification Scheme 2023. Collection method: clinical testing. Allele origin: germline.
Comment: The p.N4298I variant (also known as c.12893A>T), located in coding exon 29 of the APOB gene, results from an A to T substitution at nucleotide position 12893. The asparagine at codon 4298 is replaced by isoleucine, an amino acid with dissimilar properties. This amino acid position is conserved. In addition, this alteration is predicted to be tolerated by in silico analysis. Based on the available evidence, the clinical significance of this variant remains unclear.